The following is an entry in ClinVar:

ClinVar aggregate classification (germline): Uncertain significance. Review status: criteria provided, multiple submitters, no conflicts (2 of 4 stars). 6 submissions from 6 submitters: Uncertain significance (4). 2 of the submissions do not count toward it. Last evaluated 2024-12-14.

Conditions:
Cardiomyopathy (CMYO). Also called: Cardiomyopathies. Identifiers: Orphanet 167848, MedGen C0878544, MONDO:0004994, HP:0001638. Inheritance: Various modes of inheritance.
Hypertrophic cardiomyopathy. Also called: HYPERTROPHIC MYOCARDIOPATHY. Identifiers: Orphanet 217569, MedGen C0007194, MeSH D002312, MONDO:0005045, HP:0001639.
Cardiovascular phenotype. Identifiers: MedGen CN230736.

Allele frequency attached by ClinVar (database versions not stated): gnomAD exomes below 0.00001.

Submissions (6):

GeneDx
Classification: Uncertain significance. Last evaluated: 2024-12-14. Review status: criteria provided, single submitter. Criteria: GeneDx Variant Classification Process June 2021. Collection method: clinical testing. Allele origin: germline. Affected: yes.
Comment: Not observed at significant frequency in large population cohorts (gnomAD); In silico analysis supports that this missense variant has a deleterious effect on protein structure/function; Has not been previously published as pathogenic or benign to our knowledge

Ambry Genetics
Classification: Uncertain significance for Cardiovascular phenotype. Last evaluated: 2023-12-18. Review status: criteria provided, single submitter. Criteria: Ambry Variant Classification Scheme 2023. Collection method: clinical testing. Allele origin: germline.

All of Us Research Program, National Institutes of Health
Classification: Uncertain significance for Hypertrophic cardiomyopathy. Last evaluated: 2023-08-23. Review status: criteria provided, single submitter. Criteria: ACMG Guidelines, 2015. Collection method: clinical testing. Allele origin: germline. Inheritance: Autosomal dominant inheritance. Observed: 1 variant allele, 1 heterozygote.
Comment: This missense variant replaces aspartic acid with asparagine at codon 141 of the MYL3 protein. Computational prediction suggests that this variant may have deleterious impact on protein structure and function (internally defined REVEL score threshold >= 0.7, PMID: 27666373). To our knowledge, functional studies have not been reported for this variant. This variant has not been reported in individuals affected with MYL3-related disorders in the literature. This variant has been identified in 1/251478 chromosomes in the general population by the Genome Aggregation Database (gnomAD). The available evidence is insufficient to determine the role of this variant in disease conclusively. Therefore, this variant is classified as a Variant of Uncertain Significance.

This study involves interpretation of variants in research participants for the purpose of population health screening. Participant phenotype was not available at the time of variant classification. Additional details can be found in publication PMID: 35346344, PMCID: PMC8962531

Color Diagnostics, LLC DBA Color Health
Classification: Uncertain significance for Cardiomyopathy. Last evaluated: 2023-08-09. Review status: criteria provided, single submitter. Criteria: ACMG Guidelines, 2015. Collection method: clinical testing. Allele origin: germline.
Comment: This missense variant replaces aspartic acid with asparagine at codon 141 of the MYL3 protein. Computational prediction suggests that this variant may have deleterious impact on protein structure and function (internally defined REVEL score threshold >= 0.7, PMID: 27666373). To our knowledge, functional studies have not been reported for this variant. This variant has not been reported in individuals affected with MYL3-related disorders in the literature. This variant has been identified in 1/251478 chromosomes in the general population by the Genome Aggregation Database (gnomAD). The available evidence is insufficient to determine the role of this variant in disease conclusively. Therefore, this variant is classified as a Variant of Uncertain Significance.

Clinical Genetics, Academic Medical Center
Classification: Uncertain significance. Review status: no assertion criteria provided. Collection method: clinical testing. Allele origin: germline. Affected: yes. Study: VKGL Data-share Consensus. Not counted in ClinVar's aggregate classification.

Genome Diagnostics Laboratory, University Medical Center Utrecht
Classification: Uncertain significance. Review status: no assertion criteria provided. Collection method: clinical testing. Allele origin: germline. Affected: yes. Study: VKGL Data-share Consensus. Not counted in ClinVar's aggregate classification.

NM_000258.3(MYL3):c.421G>A (p.Asp141Asn)

Gene: MYL3 (myosin light chain 3; minus strand). Cytogenetic location: 3p21.31.
Variant type: single nucleotide variant.
Coding change: c.421G>A on transcript NM_000258.3 (MANE Select); coding-DNA position 421, G replaced by A.
Protein change: p.Asp141Asn; replaces aspartic acid 141 with asparagine.
Molecular consequence: missense variant.
Genome position (GRCh38, 1-based): chr3:46,859,535, C>T on the plus strand (G>A on the coding strand, the complement: MYL3 is on the minus strand). VCF-style: chr3-46859535-C-T. GRCh37 (hg19) VCF-style: chr3-46901025-C-T.
Other names: short protein forms D141N.
Identifiers: ClinVar variation 1284346 (VCV001284346.7), dbSNP rs1483805765, ClinGen allele CA352496085.